The following is an entry in ClinVar:

NM_000702.4(ATP1A2):c.2859T>G (p.Phe953Leu)

Gene: ATP1A2 (ATPase Na+/K+ transporting subunit alpha 2; plus strand). Cytogenetic location: 1q23.2.
Variant type: single nucleotide variant.
Coding change: c.2859T>G on transcript NM_000702.4 (MANE Select); coding-DNA position 2859, T replaced by G.
Protein change: p.Phe953Leu; replaces phenylalanine 953 with leucine.
Molecular consequence: missense variant.
Genome position (GRCh38, 1-based): chr1:160,139,658, T>G. VCF-style: chr1-160139658-T-G. GRCh37 (hg19) VCF-style: chr1-160109448-T-G.
Other names: short protein forms F953L.
Identifiers: ClinVar variation 860748 (VCV000860748.12), dbSNP rs1652069624, ClinGen allele CA343254985.

ClinVar aggregate classification (germline): Uncertain significance. Review status: criteria provided, single submitter (1 of 4 stars). 2 submissions from 2 submitters: Uncertain significance (1). 1 of the submissions does not count toward it. Last evaluated 2022-07-05.

Conditions:
ATP1A2-related disorder. Also called: ATP1A2-related condition; ATP1A2-RELATED DISORDERS.
Familial hemiplegic migraine. Identifiers: MedGen C0338484, MONDO:0000700.

gnomAD v4.1: 1 of 1,614,194 alleles (0.000062%); highest among the groups gnomAD compares: Non-Finnish European, 0.000085%; no homozygotes.

Submissions (2):

Labcorp Genetics (formerly Invitae), Labcorp
Classification: Uncertain significance for Familial hemiplegic migraine. Last evaluated: 2022-07-05. Review status: criteria provided, single submitter. Criteria: Invitae Variant Classification Sherloc (09022015). Collection method: clinical testing. Allele origin: germline.
Comment: This sequence change replaces phenylalanine, which is neutral and non-polar, with leucine, which is neutral and non-polar, at codon 953 of the ATP1A2 protein (p.Phe953Leu). This variant is not present in population databases (gnomAD no frequency). This variant has not been reported in the literature in individuals affected with ATP1A2-related conditions. ClinVar contains an entry for this variant (Variation ID: 860748). Advanced modeling of protein sequence and biophysical properties (such as structural, functional, and spatial information, amino acid conservation, physicochemical variation, residue mobility, and thermodynamic stability) performed at Invitae indicates that this missense variant is not expected to disrupt ATP1A2 protein function. In summary, the available evidence is currently insufficient to determine the role of this variant in disease. Therefore, it has been classified as a Variant of Uncertain Significance.

PreventionGenetics, part of Exact Sciences
Classification: Uncertain significance for ATP1A2-related condition. Last evaluated: 2024-06-03. Review status: no assertion criteria provided. Collection method: clinical testing. Allele origin: germline. Not counted in ClinVar's aggregate classification.
Comment: The ATP1A2 c.2859T>G variant is predicted to result in the amino acid substitution p.Phe953Leu. To our knowledge, this variant has not been reported in the literature or in a large population database, indicating this variant is rare. At this time, the clinical significance of this variant is uncertain due to the absence of conclusive functional and genetic evidence.